The following is an entry in ClinVar:

ClinVar aggregate classification (germline): Uncertain significance (1 of 4 stars; one submission).

Submission:

GeneDx
Classification: Uncertain significance. Last evaluated: 2016-12-02. Review status: criteria provided, single submitter. Criteria: GeneDx Variant Classification (06012015). Collection method: clinical testing. Allele origin: germline. Affected: yes.
Comment: A variant of uncertain significance has been identified in the CHRM2 gene. The V23M variant has not been published as a pathogenic variant, nor has it been reported as a benign variant to our knowledge. This variant was not observed in approximately 6,500 individuals of European and African American ancestry in the NHLBI Exome Sequencing Project, indicating it is not a common benign variant in these populations. Additionally, this substitution occurs at a position that is conserved across species and in silico analysis predicts this variant is probably damaging to the protein structure/function. Nevertheless, V23M is a conservative amino acid substitution, which is not likely to impact secondary protein structure as these residues share similar properties.Therefore, based on the currently available information, it is unclear whether this variant is pathogenic or rare benign.

NM_001006630.2(CHRM2):c.67G>A (p.Val23Met)

Genes: CHRM2 (cholinergic receptor muscarinic 2; plus strand), LOC349160 (uncharacterized LOC349160; minus strand). Cytogenetic location: 7q33.
Variant type: single nucleotide variant.
Coding change: c.67G>A on transcript NM_001006630.2 (MANE Select); coding-DNA position 67, G replaced by A.
Protein change: p.Val23Met; replaces valine 23 with methionine.
Molecular consequence: missense variant.
Genome position (GRCh38, 1-based): chr7:137,014,932, G>A. VCF-style: chr7-137014932-G-A. GRCh37 (hg19) VCF-style: chr7-136699679-G-A.
Other names: c.67G>A, p.Val23Met (NM_000739.3, NM_001006626.3, NM_001006627.3 and 6 more transcripts); short protein forms V23M.
Identifiers: ClinVar variation 373620 (VCV000373620.1), dbSNP rs1057518509, ClinGen allele CA16042555.